The following is an entry in ClinVar:

NM_000742.4(CHRNA2):c.*755G>A

Gene: CHRNA2 (cholinergic receptor nicotinic alpha 2 subunit; minus strand). Cytogenetic location: 8p21.2.
Variant type: single nucleotide variant.
Coding change: c.*755G>A on transcript NM_000742.4 (MANE Select); 755 bases downstream of the stop codon, G replaced by A.
Molecular consequence: 3 prime UTR variant.
Genome position (GRCh38, 1-based): chr8:27,460,874, C>T on the plus strand (G>A on the coding strand, the complement: CHRNA2 is on the minus strand). VCF-style: chr8-27460874-C-T. GRCh37 (hg19) VCF-style: chr8-27318391-C-T.
Other names: c.*755G>A (NM_001347708.2, NM_001282455.2, NM_001347705.2 and 2 more transcripts).
Identifiers: ClinVar variation 362682 (VCV000362682.6), dbSNP rs2292974, ClinGen allele CA10630771.

ClinVar aggregate classification (germline): Benign. Review status: criteria provided, multiple submitters, no conflicts (2 of 4 stars). 2 submissions from 2 submitters: Benign (2). Last evaluated 2018-01-13.

Conditions:
Autosomal dominant nocturnal frontal lobe epilepsy 4. Also called: EPILEPSY, FAMILIAL, WITH NOCTURNAL WANDERING AND ICTAL FEAR; CHRNA2-Related Nocturnal Frontal Lobe Epilepsy, Autosomal Dominant. Identifiers: Orphanet 98784, MedGen C1835905, MONDO:0012474, OMIM 610353.

Allele frequency attached by ClinVar (database versions not stated): 1000 Genomes Project 30x 0.35884; 1000 Genomes Project 0.36142; TOPMed 0.39629; gnomAD 0.40756 and 0.40881; gnomAD exomes 0.56818.

Submissions (2):

Illumina Laboratory Services, Illumina
Classification: Benign for Autosomal dominant nocturnal frontal lobe epilepsy 4. Last evaluated: 2018-01-13. Review status: criteria provided, single submitter. Criteria: ICSL Variant Classification Criteria 13 December 2019. Collection method: clinical testing. Allele origin: germline.
Comment: This variant was observed in the ICSL laboratory as part of a predisposition screen in an ostensibly healthy population. It had not been previously curated by ICSL or reported in the Human Gene Mutation Database (HGMD: prior to June 1st, 2018), and was therefore a candidate for classification through an automated scoring system. Utilizing variant allele frequency, disease prevalence and penetrance estimates, and inheritance mode, an automated score was calculated to assess if this variant is too frequent to cause the disease. Based on the score and internal cut-off values, a variant classified as benign is not then subjected to further curation. The score for this variant resulted in a classification of benign for this disease.

Breakthrough Genomics
Classification: Benign. Review status: criteria provided, single submitter. Criteria: ACMG Guidelines, 2015. Collection method: not provided. Allele origin: germline. Inheritance: Autosomal dominant inheritance. Affected: yes.